The following is an entry in ClinVar:

ClinVar aggregate classification (germline): Likely benign (0 of 4 stars; one submission).

Conditions:
METTL13-related disorder. Also called: METTL13-related condition.

Allele frequency attached by ClinVar (database versions not stated): ExAC 0.00022; gnomAD exomes 0.00023; 1000 Genomes Project 0.00040; gnomAD 0.00040; ESP Exome Variant Server 0.00046; 1000 Genomes Project 30x 0.00047; TOPMed 0.00065.

Submission:

PreventionGenetics, part of Exact Sciences
Classification: Likely benign for METTL13-related condition. Last evaluated: 2019-07-24. Review status: no assertion criteria provided. Collection method: clinical testing. Allele origin: germline.
Comment: This variant is classified as likely benign based on ACMG/AMP sequence variant interpretation guidelines (Richards et al. 2015 PMID: 25741868, with internal and published modifications).

NM_015935.5(METTL13):c.660T>A (p.Leu220=)

Gene: METTL13 (methyltransferase 13, eEF1A N-terminus and K55; plus strand). Cytogenetic location: 1q24.3.
Variant type: single nucleotide variant.
Coding change: c.660T>A on transcript NM_015935.5 (MANE Select); coding-DNA position 660, T replaced by A.
Protein change: p.Leu220=; no amino-acid change (leucine 220 retained).
Molecular consequence: synonymous variant. On other transcripts: intron variant (1).
Genome position (GRCh38, 1-based): chr1:171,784,246, T>A. VCF-style: chr1-171784246-T-A. GRCh37 (hg19) VCF-style: chr1-171753386-T-A.
Other names: c.402T>A, p.Leu134= (NM_014955.3); c.453+207T>A (NM_001007239.2).
Identifiers: ClinVar variation 3050409 (VCV003050409.2), dbSNP rs149021718, ClinGen allele CA1244663.
Genomic context (GRCh38, chr1:171,784,246, plus strand): 5'-CTCCTTGCCTGTCTTTGCCTTCATCATGACCAAGTTCAGGCCAGTCCCTGGCTCTGCCCT[T>A]CAGATCTTTGAGCTGTGTGCTCAGGAGCAGCGCAAGCCTGTGCGGCTGGAGAGTGCCGAG-3'
Protein context (NP_057019.3, residues 210-230): TKFRPVPGSA[Leu220=]QIFELCAQEQ